The following is an entry in ClinVar:

ClinVar aggregate classification (germline): Likely pathogenic (1 of 4 stars; one submission).

Conditions:
Hyperammonemia, type III (NAGSD). Also called: Hyperammonemia due to N-acetylglutamate synthase deficiency. Identifiers: Orphanet 927, MedGen C0268543, MONDO:0009377, OMIM 237310.

Allele frequency attached by ClinVar (database versions not stated): TOPMed below 0.00001.

Submission:

Labcorp Genetics (formerly Invitae), Labcorp
Classification: Likely pathogenic for Hyperammonemia, type III. Last evaluated: 2024-07-15. Review status: criteria provided, single submitter. Criteria: Invitae Variant Classification Sherloc (09022015). Collection method: clinical testing. Allele origin: germline.
Comment: This sequence change replaces tryptophan, which is neutral and slightly polar, with cysteine, which is neutral and slightly polar, at codon 248 of the NAGS protein (p.Trp248Cys). This variant is not present in population databases (gnomAD no frequency). This missense change has been observed in individual(s) with N-acetylglutamate synthase deficiency (Invitae). In at least one individual the data is consistent with being in trans (on the opposite chromosome) from a pathogenic variant. It has also been observed to segregate with disease in related individuals. ClinVar contains an entry for this variant (Variation ID: 957889). Advanced modeling of protein sequence and biophysical properties (such as structural, functional, and spatial information, amino acid conservation, physicochemical variation, residue mobility, and thermodynamic stability) performed at Invitae indicates that this missense variant is expected to disrupt NAGS protein function with a positive predictive value of 80%. In summary, the currently available evidence indicates that the variant is pathogenic, but additional data are needed to prove that conclusively. Therefore, this variant has been classified as Likely Pathogenic.

NM_153006.3(NAGS):c.744G>T (p.Trp248Cys)

Gene: NAGS (N-acetylglutamate synthase; plus strand). Cytogenetic location: 17q21.31.
Variant type: single nucleotide variant.
Coding change: c.744G>T on transcript NM_153006.3 (MANE Select); coding-DNA position 744, G replaced by T.
Protein change: p.Trp248Cys; replaces tryptophan 248 with cysteine.
Molecular consequence: missense variant.
Genome position (GRCh38, 1-based): chr17:44,006,066, G>T. VCF-style: chr17-44006066-G-T. GRCh37 (hg19) VCF-style: chr17-42083434-G-T.
Other names: short protein forms W248C.
Identifiers: ClinVar variation 957889 (VCV000957889.9), dbSNP rs1011767739, ClinGen allele CA290852775.